The following is an entry in ClinVar:

NM_000350.3(ABCA4):c.160+5G>A

Gene: ABCA4 (ATP binding cassette subfamily A member 4; minus strand). Cytogenetic location: 1p22.1.
Variant type: single nucleotide variant.
Coding change: c.160+5G>A on transcript NM_000350.3 (MANE Select); 5 bases into the intron after coding-DNA position 160, G replaced by A.
Molecular consequence: intron variant.
Genome position (GRCh38, 1-based): chr1:94,112,968, C>T on the plus strand (G>A on the coding strand, the complement: ABCA4 is on the minus strand). VCF-style: chr1-94112968-C-T. GRCh37 (hg19) VCF-style: chr1-94578524-C-T.
Identifiers: ClinVar variation 2883977 (VCV002883977.4), dbSNP rs1064793004, ClinGen allele CA2586966978.

ClinVar aggregate classification (germline): Pathogenic/Likely pathogenic. Review status: criteria provided, multiple submitters, no conflicts (2 of 4 stars). 2 submissions from 2 submitters: Pathogenic (1); Likely pathogenic (1). Last evaluated 2026-02-20.

Conditions:
Retinitis pigmentosa (RP). Identifiers: Orphanet 791, MedGen C0035334, MeSH D012174, MONDO:0019200, OMIM 268000. Inheritance: Autosomal dominant, autosomal recessive and X linked inheritance.

gnomAD v4.1: 10 of 1,611,532 alleles (0.00062%); highest among the groups gnomAD compares: Admixed American, 0.0017%; no homozygotes.

Submissions (2):

Women's Health and Genetics/Laboratory Corporation of America, LabCorp
Classification: Likely pathogenic for Retinitis pigmentosa. Last evaluated: 2026-02-20. Review status: criteria provided, single submitter. Criteria: LabCorp Variant Classification Summary - May 2015. Collection method: clinical testing. Allele origin: germline.
Comment: Variant summary: ABCA4 c.160+5G>A alters a conserved nucleotide located close to a canonical splice site and therefore could affect mRNA splicing, leading to a significantly altered protein sequence. Several computational tools predict a significant impact on normal splicing: Four predict the variant abolishes a 5' splicing donor site. However, these predictions have yet to be confirmed by functional studies. The variant was absent in 251432 control chromosomes. c.160+5G>A has been observed in compound heterozygous individuals affected with Stargardt disease (e.g. Fujinami_2019). These data indicate that the variant may be associated with disease. To our knowledge, no experimental evidence demonstrating an impact on protein function has been reported. The following publication has been ascertained in the context of this evaluation (PMID: 35120629). ClinVar contains an entry for this variant (Variation ID: 2883977). Based on the evidence outlined above, the variant was classified as likely pathogenic.

Labcorp Genetics (formerly Invitae), Labcorp
Classification: Pathogenic. Last evaluated: 2023-10-26. Review status: criteria provided, single submitter. Criteria: Invitae Variant Classification Sherloc (09022015). Collection method: clinical testing. Allele origin: germline.
Comment: This sequence change falls in intron 2 of the ABCA4 gene. It does not directly change the encoded amino acid sequence of the ABCA4 protein. It affects a nucleotide within the consensus splice site. This variant is not present in population databases (gnomAD no frequency). This variant has been observed in individual(s) with Stargardt disease (PMID: 29925512). Variants that disrupt the consensus splice site are a relatively common cause of aberrant splicing (PMID: 17576681, 9536098). Algorithms developed to predict the effect of sequence changes on RNA splicing suggest that this variant may disrupt the consensus splice site. This variant disrupts the c.160+5G nucleotide in the ABCA4 gene. Other variant(s) that disrupt this nucleotide have been determined to be pathogenic (PMID: 26593885, 29162642, 29925512). This suggests that this nucleotide is clinically significant, and that variants that disrupt this position are likely to be disease-causing. For these reasons, this variant has been classified as Pathogenic.

Literature cited by the submitters: PubMed 35120629 (cited by Women's Health and Genetics/Laboratory Corporation of America, LabCorp); PubMed 29925512 (cited by Labcorp Genetics (formerly Invitae), Labcorp); PubMed 17576681 (cited by Labcorp Genetics (formerly Invitae), Labcorp); PubMed 9536098 (cited by Labcorp Genetics (formerly Invitae), Labcorp); PubMed 26593885 (cited by Labcorp Genetics (formerly Invitae), Labcorp); PubMed 29162642 (cited by Labcorp Genetics (formerly Invitae), Labcorp).